The following is an entry in ClinVar:

NM_000327.4(ROM1):c.269C>T (p.Ala90Val)

Gene: ROM1 (retinal outer segment membrane protein 1; plus strand). Cytogenetic location: 11q12.3.
Variant type: single nucleotide variant.
Coding change: c.269C>T on transcript NM_000327.4 (MANE Select); coding-DNA position 269, C replaced by T.
Protein change: p.Ala90Val; replaces alanine 90 with valine.
Molecular consequence: missense variant.
Genome position (GRCh38, 1-based): chr11:62,613,550, C>T. VCF-style: chr11-62613550-C-T. GRCh37 (hg19) VCF-style: chr11-62381022-C-T.
Other names: short protein forms A90V.
Identifiers: ClinVar variation 92848 (VCV000092848.16), dbSNP rs398123334, ClinGen allele CA220671.

ClinVar aggregate classification (germline): Uncertain significance. Review status: criteria provided, multiple submitters, no conflicts (2 of 4 stars). 4 submissions from 4 submitters: Uncertain significance (4). Last evaluated 2025-07-07.

Allele frequency attached by ClinVar (database versions not stated): gnomAD exomes 0.00004; gnomAD 0.00005 and 0.00004; ExAC 0.00003; TOPMed 0.00008.
gnomAD v4.1: 90 of 1,613,700 alleles (0.0056%); highest among the groups gnomAD compares: Non-Finnish European, 0.0075%; no homozygotes.

Submissions (4):

Labcorp Genetics (formerly Invitae), Labcorp
Classification: Uncertain significance. Last evaluated: 2025-07-07. Review status: criteria provided, single submitter. Criteria: Invitae Variant Classification Sherloc (09022015). Collection method: clinical testing. Allele origin: germline.
Comment: This sequence change replaces alanine, which is neutral and non-polar, with valine, which is neutral and non-polar, at codon 90 of the ROM1 protein (p.Ala90Val). This variant is present in population databases (rs398123334, gnomAD 0.008%). This variant has not been reported in the literature in individuals affected with ROM1-related conditions. ClinVar contains an entry for this variant (Variation ID: 92848). Invitae Evidence Modeling of protein sequence and biophysical properties (such as structural, functional, and spatial information, amino acid conservation, physicochemical variation, residue mobility, and thermodynamic stability) indicates that this missense variant is not expected to disrupt ROM1 protein function with a negative predictive value of 80%. In summary, the available evidence is currently insufficient to determine the role of this variant in disease. Therefore, it has been classified as a Variant of Uncertain Significance.

Blueprint Genetics
Classification: Uncertain significance. Last evaluated: 2023-07-14. Review status: criteria provided, single submitter. Criteria: ACMG Guidelines, 2015. Collection method: clinical testing. Allele origin: germline.

Ambry Genetics
Classification: Uncertain significance. Last evaluated: 2023-05-08. Review status: criteria provided, single submitter. Criteria: Ambry Variant Classification Scheme 2023. Collection method: clinical testing. Allele origin: germline.

Eurofins Ntd Llc (ga)
Classification: Uncertain significance. Last evaluated: 2013-11-11. Review status: criteria provided, single submitter. Criteria: EGL Classification Definitions 2015. Collection method: clinical testing. Allele origin: germline. Observed: 1 variant allele, 1 heterozygote.